The following is an entry in ClinVar:

ClinVar aggregate classification (germline): Uncertain significance (1 of 4 stars; one submission).

Submission:

Labcorp Genetics (formerly Invitae), Labcorp
Classification: Uncertain significance. Last evaluated: 2025-09-15. Review status: criteria provided, single submitter. Criteria: Invitae Variant Classification Sherloc (09022015). Collection method: clinical testing. Allele origin: germline.
Comment: This sequence change creates a premature translational stop signal (p.Leu126Argfs*40) in the LIPG gene. It is expected to result in an absent or disrupted protein product. This variant is not present in population databases (gnomAD no frequency). This variant has not been reported in the literature in individuals affected with LIPG-related conditions. In summary, the available evidence is currently insufficient to determine the role of this variant in disease. Therefore, it has been classified as a Variant of Uncertain Significance.

NM_006033.4(LIPG):c.377del (p.Leu126fs)

Gene: LIPG (lipase G, endothelial type; plus strand). Cytogenetic location: 18q21.1.
Variant type: Deletion.
Coding change: c.377del on transcript NM_006033.4 (MANE Select); coding-DNA position 377, one base deleted (T; older notation c.377delT).
Protein change: p.Leu126fs; shifts the reading frame from leucine 126.
Molecular consequence: frameshift variant.
Genome position (GRCh38, 1-based): chr18:49,567,539, T deleted. VCF-style (leftmost placement, unchanged base first): chr18-49567538-CT-C. GRCh37 (hg19) VCF-style: chr18-47093908-CT-C.
Other names: c.377del, p.Leu126fs (NM_001308006.2); short protein forms L126fs.
Identifiers: ClinVar variation 4778533 (VCV004778533.1).